The following is an entry in ClinVar:

ClinVar aggregate classification (germline): Uncertain significance. Review status: criteria provided, multiple submitters, no conflicts (2 of 4 stars). 2 submissions from 2 submitters: Uncertain significance (2). Last evaluated 2025-12-09.

Conditions:
Hereditary cancer-predisposing syndrome. Also called: Neoplastic Syndromes, Hereditary; Tumor predisposition; Hereditary Cancer Syndrome; Hereditary neoplastic syndrome. Identifiers: Orphanet 140162, MedGen C0027672, MeSH D009386, MONDO:0015356.

Allele frequency attached by ClinVar (database versions not stated): gnomAD exomes below 0.00001.
gnomAD v4.1: 5 of 1,607,970 alleles (0.00031%); highest among the groups gnomAD compares: South Asian, 0.0022%; no homozygotes.

Submissions (2):

Ambry Genetics
Classification: Uncertain significance for Hereditary cancer-predisposing syndrome. Last evaluated: 2025-12-09. Review status: criteria provided, single submitter. Criteria: Ambry Variant Classification Scheme 2023. Collection method: clinical testing. Allele origin: germline.
Comment: The p.D1747G variant (also known as c.5240A>G), located in coding exon 39 of the POLE gene, results from an A to G substitution at nucleotide position 5240. The aspartic acid at codon 1747 is replaced by glycine, an amino acid with similar properties. This amino acid position is conserved. In addition, this alteration is predicted to be deleterious by in silico analysis. Since supporting evidence is limited at this time, the clinical significance of this alteration remains unclear.

Labcorp Genetics (formerly Invitae), Labcorp
Classification: Uncertain significance. Last evaluated: 2025-09-19. Review status: criteria provided, single submitter. Criteria: Invitae Variant Classification Sherloc (09022015). Collection method: clinical testing. Allele origin: germline.
Comment: This sequence change replaces aspartic acid, which is acidic and polar, with glycine, which is neutral and non-polar, at codon 1747 of the POLE protein (p.Asp1747Gly). This variant is not present in population databases (gnomAD no frequency). This variant has not been reported in the literature in individuals affected with POLE-related conditions. ClinVar contains an entry for this variant (Variation ID: 473717). Invitae Evidence Modeling of protein sequence and biophysical properties (such as structural, functional, and spatial information, amino acid conservation, physicochemical variation, residue mobility, and thermodynamic stability) indicates that this missense variant is not expected to disrupt POLE protein function with a negative predictive value of 80%. In summary, the available evidence is currently insufficient to determine the role of this variant in disease. Therefore, it has been classified as a Variant of Uncertain Significance.

NM_006231.4(POLE):c.5240A>G (p.Asp1747Gly)

Gene: POLE (DNA polymerase epsilon, catalytic subunit; minus strand). Cytogenetic location: 12q24.33.
Variant type: single nucleotide variant.
Coding change: c.5240A>G on transcript NM_006231.4 (MANE Select); coding-DNA position 5240, A replaced by G.
Protein change: p.Asp1747Gly; replaces aspartic acid 1747 with glycine.
Molecular consequence: missense variant.
Genome position (GRCh38, 1-based): chr12:132,641,785, T>C on the plus strand (A>G on the coding strand, the complement: POLE is on the minus strand). VCF-style: chr12-132641785-T-C. GRCh37 (hg19) VCF-style: chr12-133218371-T-C.
Other names: c.5240A>G (NM_006231.2); short protein forms D1747G.
Identifiers: ClinVar variation 473717 (VCV000473717.13), dbSNP rs1555222355, ClinGen allele CA387376364.